The following is an entry in ClinVar:

ClinVar aggregate classification (germline): Uncertain significance. Review status: criteria provided, multiple submitters, no conflicts (2 of 4 stars). 3 submissions from 3 submitters: Uncertain significance (3). Last evaluated 2025-11-19.

Conditions:
Loeys-Dietz syndrome 2 (LDS2). Also called: TGFBR2-Related Loeys-Dietz Syndrome; Marfan Syndrome type 2; Marfan like connective tissue disorder; MFS 2; AORTIC ANEURYSM, FAMILIAL THORACIC 3; MARFAN SYNDROME, TYPE II. Identifiers: Orphanet 284973, Orphanet 558, MedGen C2674574, MONDO:0012427, OMIM 610168.

gnomAD v4.1: 8 of 1,455,158 alleles (0.00055%); highest among the groups gnomAD compares: Non-Finnish European, 0.00036%; no homozygotes.

Submissions (3):

Ambry Genetics
Classification: Uncertain significance. Last evaluated: 2025-11-19. Review status: criteria provided, single submitter. Criteria: Ambry Variant Classification Scheme 2023. Collection method: clinical testing. Allele origin: germline.

GeneDx
Classification: Uncertain significance. Last evaluated: 2024-10-08. Review status: criteria provided, single submitter. Criteria: GeneDx Variant Classification Process June 2021. Collection method: clinical testing. Allele origin: germline. Affected: yes.
Comment: Not observed at significant frequency in large population cohorts (gnomAD); In silico analysis supports that this missense variant has a deleterious effect on protein structure/function; Has not been previously published as pathogenic or benign to our knowledge

Labcorp Genetics (formerly Invitae), Labcorp
Classification: Uncertain significance for Loeys-Dietz syndrome 2. Last evaluated: 2022-09-16. Review status: criteria provided, single submitter. Criteria: Invitae Variant Classification Sherloc (09022015). Collection method: clinical testing. Allele origin: germline.
Comment: In summary, the available evidence is currently insufficient to determine the role of this variant in disease. Therefore, it has been classified as a Variant of Uncertain Significance. Algorithms developed to predict the effect of missense changes on protein structure and function are either unavailable or do not agree on the potential impact of this missense change (SIFT: "Deleterious"; PolyPhen-2: "Benign"; Align-GVGD: "Class C0"). This variant has not been reported in the literature in individuals affected with TMPO-related conditions. This variant is not present in population databases (gnomAD no frequency). This sequence change replaces glycine, which is neutral and non-polar, with serine, which is neutral and polar, at codon 92 of the TMPO protein (p.Gly92Ser).

NM_001032283.3(TMPO):c.274G>A (p.Gly92Ser)

Genes: TMPO (thymopoietin; plus strand), TMPO-AS1 (TMPO antisense RNA 1; minus strand), LOC130008520 (ATAC-STARR-seq lymphoblastoid silent region 4752; plus strand). Cytogenetic location: 12q23.1.
Variant type: single nucleotide variant.
Coding change: c.274G>A on transcript NM_001032283.3 (MANE Select); coding-DNA position 274, G replaced by A.
Protein change: p.Gly92Ser; replaces glycine 92 with serine.
Molecular consequence: missense variant. On other transcripts: non-coding transcript variant (1).
Genome position (GRCh38, 1-based): chr12:98,516,141, G>A. VCF-style: chr12-98516141-G-A. GRCh37 (hg19) VCF-style: chr12-98909919-G-A.
Other names: c.274G>A, p.Gly92Ser (NM_001032284.3, NM_001307975.2, NM_003276.2); short protein forms G92S.
Identifiers: ClinVar variation 1795537 (VCV001795537.9), dbSNP rs1201669937, ClinGen allele CA386239785.